The following is an entry in ClinVar:

NM_006648.4(WNK2):c.6385G>A (p.Val2129Met)

Gene: WNK2 (WNK lysine deficient protein kinase 2; plus strand). Cytogenetic location: 9q22.31.
Variant type: single nucleotide variant.
Coding change: c.6385G>A on transcript NM_006648.4 (MANE Select); coding-DNA position 6385, G replaced by A.
Protein change: p.Val2129Met; replaces valine 2129 with methionine.
Molecular consequence: missense variant.
Genome position (GRCh38, 1-based): chr9:93,308,453, G>A. VCF-style: chr9-93308453-G-A. GRCh37 (hg19) VCF-style: chr9-96070735-G-A.
Other names: c.6496G>A, p.Val2166Met (NM_001282394.3); short protein forms V2166M, V2129M.
Identifiers: ClinVar variation 3470233 (VCV003470233.1).

ClinVar aggregate classification (germline): Uncertain significance (1 of 4 stars; one submission).

gnomAD v4.1: 12 of 1,610,194 alleles (0.00075%); highest among the groups gnomAD compares: Non-Finnish European, 0.00085%; no homozygotes.

Submission:

Ambry Genetics
Classification: Uncertain significance. Last evaluated: 2024-11-21. Review status: criteria provided, single submitter. Criteria: Ambry Variant Classification Scheme 2023. Collection method: clinical testing. Allele origin: germline.
Comment: The p.V2129M variant (also known as c.6385G>A), located in coding exon 27 of the WNK2 gene, results from a G to A substitution at nucleotide position 6385. The valine at codon 2129 is replaced by methionine, an amino acid with highly similar properties. This amino acid position is conserved. In addition, this alteration is predicted to be deleterious by in silico analysis. Based on the available evidence, the clinical significance of this variant remains unclear.